The following is an entry in ClinVar:

NM_000326.5(RLBP1):c.808G>A (p.Gly270Arg)

Gene: RLBP1 (retinaldehyde binding protein 1; minus strand). Cytogenetic location: 15q26.1.
Variant type: single nucleotide variant.
Coding change: c.808G>A on transcript NM_000326.5 (MANE Select); coding-DNA position 808, G replaced by A.
Protein change: p.Gly270Arg; replaces glycine 270 with arginine.
Molecular consequence: missense variant.
Genome position (GRCh38, 1-based): chr15:89,210,431, C>T on the plus strand (G>A on the coding strand, the complement: RLBP1 is on the minus strand). VCF-style: chr15-89210431-C-T. GRCh37 (hg19) VCF-style: chr15-89753662-C-T.
Other names: c.808G>A (NM_000326.4); short protein forms G270R.
Identifiers: ClinVar variation 2188587 (VCV002188587.4), dbSNP rs372165007, ClinGen allele CA7722165.
Genomic context (GRCh38, chr15:89,210,431, plus strand): 5'-CGAAGTCAGAGGGCAGGATGTTCTCATCGATCTCCTGGTAGAAACCAGAAAGGTCATCCC[C>T]GTGGACAAAGACCTGCAGGGAAGCAAGGGAGACAGAACTGAGCAGGAGGAGGTGCCCTAA-3'
Protein context (NP_000317.1, residues 260-280): SKLLERVFVH[Gly270Arg]DDLSGFYQEI

ClinVar aggregate classification (germline): Uncertain significance. Review status: criteria provided, multiple submitters, no conflicts (2 of 4 stars). 3 submissions from 3 submitters: Uncertain significance (3). Last evaluated 2026-05-27.

Conditions:
RLBP1-related disorder. Also called: RLBP1-related condition; RLBP1-related disorders. Identifiers: MedGen CN239413.

Allele frequency attached by ClinVar (database versions not stated): gnomAD 0.00001; gnomAD exomes 0.00001; ExAC 0.00002; TOPMed 0.00002; ESP Exome Variant Server 0.00008.
gnomAD v4.1: 17 of 1,614,068 alleles (0.0011%); highest among the groups gnomAD compares: East Asian, 0.0045%; no homozygotes.

Submissions (3):

PreventionGenetics, part of Exact Sciences
Classification: Uncertain significance for RLBP1-related condition. Last evaluated: 2026-05-27. Review status: criteria provided, single submitter. Criteria: ACMG Guidelines, 2015. Collection method: clinical testing. Allele origin: germline.
Comment: The RLBP1 c.808G>A variant is predicted to result in the amino acid substitution p.Gly270Arg. To our knowledge, this variant has not been reported in the literature. This variant is present in 0.0062% of alleles in individuals of African descent in gnomAD. At this time, the clinical significance of this variant is uncertain due to the absence of conclusive functional and genetic evidence.

Labcorp Genetics (formerly Invitae), Labcorp
Classification: Uncertain significance. Last evaluated: 2023-07-07. Review status: criteria provided, single submitter. Criteria: Invitae Variant Classification Sherloc (09022015). Collection method: clinical testing. Allele origin: germline.
Comment: In summary, the available evidence is currently insufficient to determine the role of this variant in disease. Therefore, it has been classified as a Variant of Uncertain Significance. Algorithms developed to predict the effect of sequence changes on RNA splicing suggest that this variant may create or strengthen a splice site. Advanced modeling of protein sequence and biophysical properties (such as structural, functional, and spatial information, amino acid conservation, physicochemical variation, residue mobility, and thermodynamic stability) performed at Invitae indicates that this missense variant is not expected to disrupt RLBP1 protein function. ClinVar contains an entry for this variant (Variation ID: 2188587). This variant has not been reported in the literature in individuals affected with RLBP1-related conditions. This variant is present in population databases (rs372165007, gnomAD 0.007%). This sequence change replaces glycine, which is neutral and non-polar, with arginine, which is basic and polar, at codon 270 of the RLBP1 protein (p.Gly270Arg).

Blueprint Genetics
Classification: Uncertain significance. Last evaluated: 2019-11-05. Review status: criteria provided, single submitter. Criteria: ACMG Guidelines, 2015. Collection method: clinical testing. Allele origin: germline.